The following is an entry in ClinVar:

NM_002541.4(OGDH):c.622C>T (p.Arg208Cys)

Gene: OGDH (oxoglutarate dehydrogenase; plus strand). Cytogenetic location: 7p13.
Variant type: single nucleotide variant.
Coding change: c.622C>T on transcript NM_002541.4 (MANE Select); coding-DNA position 622, C replaced by T.
Protein change: p.Arg208Cys; replaces arginine 208 with cysteine.
Molecular consequence: missense variant.
Genome position (GRCh38, 1-based): chr7:44,666,840, C>T. VCF-style: chr7-44666840-C-T. GRCh37 (hg19) VCF-style: chr7-44706439-C-T.
Other names: c.622C>T, p.Arg208Cys (NM_001003941.3); c.610C>T, p.Arg204Cys (NM_001165036.2); c.655C>T, p.Arg219Cys (NM_001363523.2); short protein forms R208C, R204C, R219C.
Identifiers: ClinVar variation 937040 (VCV000937040.7), dbSNP rs557597843, ClinGen allele CA4243618.

ClinVar aggregate classification (germline): Uncertain significance (1 of 4 stars; one submission).

Conditions:
Oxoglutaricaciduria. Identifiers: Orphanet 31, MedGen C2752074, MONDO:0008759, OMIM 203740.

Allele frequency attached by ClinVar (database versions not stated): TOPMed 0.00006; gnomAD exomes 0.00007; ExAC 0.00008; 1000 Genomes Project 30x 0.00047; 1000 Genomes Project 0.00060.
gnomAD v4.1: 36 of 1,608,060 alleles (0.0022%); highest among the groups gnomAD compares: East Asian, 0.036%; no homozygotes.

Submission:

Labcorp Genetics (formerly Invitae), Labcorp
Classification: Uncertain significance for Oxoglutaricaciduria. Last evaluated: 2021-12-31. Review status: criteria provided, single submitter. Criteria: Invitae Variant Classification Sherloc (09022015). Collection method: clinical testing. Allele origin: germline.
Comment: This sequence change replaces arginine, which is basic and polar, with cysteine, which is neutral and slightly polar, at codon 208 of the OGDH protein (p.Arg208Cys). This variant is present in population databases (rs557597843, gnomAD 0.07%), and has an allele count higher than expected for a pathogenic variant. This variant has not been reported in the literature in individuals affected with OGDH-related conditions. ClinVar contains an entry for this variant (Variation ID: 937040). Algorithms developed to predict the effect of missense changes on protein structure and function are either unavailable or do not agree on the potential impact of this missense change (SIFT: "Deleterious"; PolyPhen-2: "Benign"; Align-GVGD: "Class C0"). In summary, the available evidence is currently insufficient to determine the role of this variant in disease. Therefore, it has been classified as a Variant of Uncertain Significance.